The following is an entry in ClinVar:

NM_020533.3(MCOLN1):c.608del (p.Pro203fs)

Gene: MCOLN1 (mucolipin TRP cation channel 1; plus strand). Cytogenetic location: 19p13.2.
Variant type: Deletion.
Coding change: c.608del on transcript NM_020533.3 (MANE Select); coding-DNA position 608, one base deleted (C; older notation c.608delC).
Protein change: p.Pro203fs; shifts the reading frame from proline 203.
Molecular consequence: frameshift variant.
Genome position (GRCh38, 1-based): chr19:7,527,556, C deleted; the last of 2 consecutive C bases (chr19:7,527,555-7,527,556); deleting either gives the same sequence. VCF-style (leftmost placement, unchanged base first): chr19-7527554-TC-T. GRCh37 (hg19) VCF-style: chr19-7592440-TC-T.
Other names: short protein forms P203fs.
Identifiers: ClinVar variation 1725915 (VCV001725915.5), dbSNP rs2512470541, ClinGen allele CA2580097116.
Genomic context (GRCh38, chr19:7,527,554, plus strand): 5'-GCCCTTCCCTGACTCCCTGTCCTTAGACTGCATCCAGGTGGATCCCCCCGAGCGGCCCCC[TC>T]CGCCCCCCAGCGACGATCTCACCCTCTTGGAAAGCAGCTCCAGTTACAAGAACCTCACGC-3'

ClinVar aggregate classification (germline): Pathogenic/Likely pathogenic. Review status: criteria provided, multiple submitters, no conflicts (2 of 4 stars). 2 submissions from 2 submitters: Pathogenic (1); Likely pathogenic (1). Last evaluated 2023-07-25.

Conditions:
Mucolipidosis type IV (ML4). Also called: ML IV. Identifiers: Orphanet 578, MedGen C0238286, MONDO:0009653, OMIM 252650.

Submissions (2):

Labcorp Genetics (formerly Invitae), Labcorp
Classification: Pathogenic for Mucolipidosis type IV. Last evaluated: 2023-07-25. Review status: criteria provided, single submitter. Criteria: Invitae Variant Classification Sherloc (09022015). Collection method: clinical testing. Allele origin: germline.
Comment: For these reasons, this variant has been classified as Pathogenic. ClinVar contains an entry for this variant (Variation ID: 1725915). This variant has not been reported in the literature in individuals affected with MCOLN1-related conditions. This variant is not present in population databases (gnomAD no frequency). This sequence change creates a premature translational stop signal (p.Pro203Argfs*35) in the MCOLN1 gene. It is expected to result in an absent or disrupted protein product. Loss-of-function variants in MCOLN1 are known to be pathogenic (PMID: 11030752, 11317355).

Myriad Genetics, Inc.
Classification: Likely pathogenic for Mucolipidosis type IV. Last evaluated: 2022-04-13. Review status: criteria provided, single submitter. Criteria: Myriad Women's Health Autosomal Recessive and X-Linked Classification Criteria (2021). Collection method: clinical testing. Allele origin: unknown.
Comment: NM_020533.2(MCOLN1):c.608delC(P203Rfs*35) is expected to be pathogenic in the context of mucolipidosis IV. This variant is predicted to lead to an abnormal or absent protein product due to the creation of a premature termination codon in MCOLN1, a gene where loss-of-function variants are known to be pathogenic. Please note: this variant was assessed in the context of healthy population screening.

Literature cited by the submitters: PubMed 11030752 (cited by Labcorp Genetics (formerly Invitae), Labcorp); PubMed 11317355 (cited by Labcorp Genetics (formerly Invitae), Labcorp).